The following is an entry in ClinVar:

ClinVar aggregate classification (germline): Uncertain significance (1 of 4 stars; one submission).

Conditions:
Malignant hyperthermia, susceptibility to, 5 (MHS5). Also called: CACNA1S-Related Malignant Hyperthermia Susceptibility. Identifiers: Orphanet 423, MedGen C1866077, MONDO:0011163, OMIM 601887.
Hypokalemic periodic paralysis, type 1. Also called: Hypokalemic Periodic Paralysis Type 1 (AD); HypoPP. Identifiers: Orphanet 681, MedGen C3714580, MONDO:0042979, OMIM 170400.

Submission:

Labcorp Genetics (formerly Invitae), Labcorp
Classification: Uncertain significance for Hypokalemic periodic paralysis, type 1; Malignant hyperthermia, susceptibility to, 5. Last evaluated: 2022-04-06. Review status: criteria provided, single submitter. Criteria: Invitae Variant Classification Sherloc (09022015). Collection method: clinical testing. Allele origin: germline.
Comment: In summary, the available evidence is currently insufficient to determine the role of this variant in disease. Therefore, it has been classified as a Variant of Uncertain Significance. Advanced modeling of protein sequence and biophysical properties (such as structural, functional, and spatial information, amino acid conservation, physicochemical variation, residue mobility, and thermodynamic stability) performed at Invitae indicates that this missense variant is not expected to disrupt CACNA1S protein function. This variant has not been reported in the literature in individuals affected with CACNA1S-related conditions. This variant is not present in population databases (gnomAD no frequency). This sequence change replaces isoleucine, which is neutral and non-polar, with phenylalanine, which is neutral and non-polar, at codon 822 of the CACNA1S protein (p.Ile822Phe).

NM_000069.3(CACNA1S):c.2464A>T (p.Ile822Phe)

Gene: CACNA1S (calcium voltage-gated channel subunit alpha1 S; minus strand). Cytogenetic location: 1q32.1.
Variant type: single nucleotide variant.
Coding change: c.2464A>T on transcript NM_000069.3 (MANE Select); coding-DNA position 2464, A replaced by T.
Protein change: p.Ile822Phe; replaces isoleucine 822 with phenylalanine.
Molecular consequence: missense variant.
Genome position (GRCh38, 1-based): chr1:201,069,498, T>A on the plus strand (A>T on the coding strand, the complement: CACNA1S is on the minus strand). VCF-style: chr1-201069498-T-A. GRCh37 (hg19) VCF-style: chr1-201038626-T-A.
Other names: short protein forms I822F.
Identifiers: ClinVar variation 2179937 (VCV002179937.4), dbSNP rs1235946472, ClinGen allele CA344106680.